The following is an entry in ClinVar:

NM_001042492.3(NF1):c.7600A>G (p.Thr2534Ala)

Gene: NF1 (neurofibromin 1; plus strand). Cytogenetic location: 17q11.2.
Variant type: single nucleotide variant.
Coding change: c.7600A>G on transcript NM_001042492.3 (MANE Select); coding-DNA position 7600, A replaced by G.
Protein change: p.Thr2534Ala; replaces threonine 2534 with alanine.
Molecular consequence: missense variant.
Genome position (GRCh38, 1-based): chr17:31,352,399, A>G. VCF-style: chr17-31352399-A-G. GRCh37 (hg19) VCF-style: chr17-29679417-A-G.
Other names: c.7537A>G, p.Thr2513Ala (NM_000267.4); short protein forms T2513A, T2534A.
Identifiers: ClinVar variation 481881 (VCV000481881.13), dbSNP rs779737221, ClinGen allele CA8487612.

ClinVar aggregate classification (germline): Conflicting classifications of pathogenicity. Review status: criteria provided, conflicting classifications (1 of 4 stars). 4 submissions from 3 submitters: Uncertain significance (1); Likely benign (3). Last evaluated 2026-01-27.

Conditions:
Cardiovascular phenotype. Identifiers: MedGen CN230736.
Hereditary cancer-predisposing syndrome. Also called: Hereditary neoplastic syndrome; Neoplastic Syndromes, Hereditary; Tumor predisposition; Hereditary Cancer Syndrome. Identifiers: Orphanet 140162, MedGen C0027672, MeSH D009386, MONDO:0015356.
Neurofibromatosis, type 1 (NF1). Also called: VON RECKLINGHAUSEN DISEASE; Peripheral type neurofibromatosis; NEUROFIBROMATOSIS, TYPE I, SOMATIC; Neurofibromatosis, type I. Identifiers: Orphanet 636, MedGen C0027831, MONDO:0018975, OMIM 162200. Disease mechanism: loss of function.

Allele frequency attached by ClinVar (database versions not stated): ExAC 0.00001; gnomAD 0.00001; gnomAD exomes 0.00001 and 0.00002; TOPMed 0.00001.
gnomAD v4.1: 9 of 1,612,314 alleles (0.00056%); highest among the groups gnomAD compares: Admixed American, 0.013%; no homozygotes.

Submissions (4):

Labcorp Genetics (formerly Invitae), Labcorp
Classification: Likely benign for Neurofibromatosis, type 1. Last evaluated: 2026-01-27. Review status: criteria provided, single submitter. Criteria: Invitae Variant Classification Sherloc (09022015). Collection method: clinical testing. Allele origin: germline.

Ambry Genetics
Classification: Likely benign for Cardiovascular phenotype; Hereditary cancer-predisposing syndrome. Last evaluated: 2023-03-22. Review status: criteria provided, single submitter. Criteria: Ambry Variant Classification Scheme 2023. Collection method: clinical testing. Allele origin: germline.

GeneDx
Classification: Likely benign. Last evaluated: 2018-06-21. Review status: criteria provided, single submitter. Criteria: GeneDx Variant Classification Process June 2021. Collection method: clinical testing. Allele origin: germline. Affected: yes.

Ambry Genetics
Classification: Uncertain significance for Hereditary cancer-predisposing syndrome. Last evaluated: 2016-01-18. Review status: criteria provided, single submitter. Criteria: Ambry Autosomal Dominant and X-Linked criteria (10/2015). Collection method: clinical testing. Allele origin: germline. Observed: 1 variant allele.
Comment: The p.T2534A variant (also known as c.7600A>G), located in coding exon 51 of the NF1 gene, results from an A to G substitution at nucleotide position 7600. The threonine at codon 2534 is replaced by alanine, an amino acid with similar properties. This variant was not reported in population based cohorts in the following databases: Database of Single Nucleotide Polymorphisms (dbSNP), NHLBI Exome Sequencing Project (ESP), and 1000 Genomes Project. In the ESP, this variant was not observed in 6503 samples (13006 alleles) with coverage at this position. To date, this alteration has been detected with an allele frequency of approximately 0.001% (greater than 110000alleles tested) in our clinical cohort.This amino acid position is well conserved in available vertebrate species. In addition, this alteration is predicted to be tolerated by in silico analysis.Since supporting evidence is limited at this time, the clinical significance of this alterationremains unclear.